The following is an entry in ClinVar:

ClinVar aggregate classification (germline): Uncertain significance. Review status: criteria provided, multiple submitters, no conflicts (2 of 4 stars). 3 submissions from 3 submitters: Uncertain significance (2). 1 of the submissions does not count toward it. Last evaluated 2025-10-06.

Conditions:
Hereditary cancer-predisposing syndrome. Also called: Tumor predisposition; Hereditary Cancer Syndrome; Neoplastic Syndromes, Hereditary; Hereditary neoplastic syndrome. Identifiers: Orphanet 140162, MedGen C0027672, MeSH D009386, MONDO:0015356.
Hereditary breast ovarian cancer syndrome. Also called: Breast and ovarian cancer; Hereditary breast and ovarian cancer; Hereditary breast and ovarian cancer syndrome; BRCA1- and BRCA2-Associated Hereditary Breast and Ovarian Cancer; Hereditary breast and ovarian cancer syndrome (HBOC); Hereditary breast and/or ovarian cancer syndrome. Identifiers: Orphanet 145, MedGen C0677776, MeSH D061325, MONDO:0003582. Disease mechanism: loss of function.
Breast-ovarian cancer, familial, susceptibility to, 2 (BROVCA2). Also called: BRCA2 Hereditary Breast and Ovarian Cancer. Identifiers: Orphanet 145, MedGen C2675520, MONDO:0012933, OMIM 612555. Disease mechanism: loss of function.

Submissions (3):

Ambry Genetics
Classification: Uncertain significance for Hereditary cancer-predisposing syndrome. Last evaluated: 2025-10-06. Review status: criteria provided, single submitter. Criteria: Ambry Variant Classification Scheme 2023. Collection method: clinical testing. Allele origin: germline.
Comment: The p.D1243N variant (also known as c.3727G>A), located in coding exon 10 of the BRCA2 gene, results from a G to A substitution at nucleotide position 3727. The aspartic acid at codon 1243 is replaced by asparagine, an amino acid with highly similar properties. This amino acid position is highly conserved in available vertebrate species. In addition, the in silico prediction for this alteration is inconclusive. Based on the available evidence, the clinical significance of this variant remains unclear.

Labcorp Genetics (formerly Invitae), Labcorp
Classification: Uncertain significance for Hereditary breast ovarian cancer syndrome. Last evaluated: 2024-04-11. Review status: criteria provided, single submitter. Criteria: Invitae Variant Classification Sherloc (09022015). Collection method: clinical testing. Allele origin: germline.
Comment: This sequence change replaces aspartic acid, which is acidic and polar, with asparagine, which is neutral and polar, at codon 1243 of the BRCA2 protein (p.Asp1243Asn). This variant is not present in population databases (gnomAD no frequency). This variant has not been reported in the literature in individuals affected with BRCA2-related conditions. ClinVar contains an entry for this variant (Variation ID: 91808). Advanced modeling of protein sequence and biophysical properties (such as structural, functional, and spatial information, amino acid conservation, physicochemical variation, residue mobility, and thermodynamic stability) performed at Invitae indicates that this missense variant is not expected to disrupt BRCA2 protein function with a negative predictive value of 95%. In summary, the available evidence is currently insufficient to determine the role of this variant in disease. Therefore, it has been classified as a Variant of Uncertain Significance.

Sharing Clinical Reports Project (SCRP)
Classification: Uncertain significance for Breast-ovarian cancer, familial 2. Last evaluated: 2010-12-16. Review status: no assertion criteria provided. Collection method: clinical testing. Allele origin: germline. Not counted in ClinVar's aggregate classification.

NM_000059.4(BRCA2):c.3727G>A (p.Asp1243Asn)

Gene: BRCA2 (BRCA2 DNA repair associated; plus strand). Cytogenetic location: 13q13.1.
Variant type: single nucleotide variant.
Coding change: c.3727G>A on transcript NM_000059.4 (MANE Select); coding-DNA position 3727, G replaced by A.
Protein change: p.Asp1243Asn; replaces aspartic acid 1243 with asparagine.
Molecular consequence: missense variant. On other transcripts: intron variant (2), non-coding transcript variant (1).
Genome position (GRCh38, 1-based): chr13:32,338,082, G>A. VCF-style: chr13-32338082-G-A. GRCh37 (hg19) VCF-style: chr13-32912219-G-A.
Other names: D1243N; 3955G>A; c.425-6476G>A (NM_001406722.1); c.1909+4695G>A (NM_001406721.1); c.3727G>A, p.Asp1243Asn (NM_001406719.1, NM_001406720.1, NM_001432077.1).
Identifiers: ClinVar variation 91808 (VCV000091808.5), dbSNP rs398122771, ClinGen allele CA018666.
Genomic context (GRCh38, chr13:32,338,082, plus strand): 5'-CATGGCACAAAACTGAATGTTTCTACTGAAGCTCTGCAAAAAGCTGTGAAACTGTTTAGT[G>A]ATATTGAGAATATTAGTGAGGAAACTTCTGCAGAGGTACATCCAATAAGTTTATCTTCAA-3'
Protein context (NP_000050.3, residues 1233-1253): ALQKAVKLFS[Asp1243Asn]IENISEETSA